The following is an entry in ClinVar:

NM_000465.4(BARD1):c.82C>A (p.Pro28Thr)

Gene: BARD1 (BRCA1 associated RING domain 1; minus strand). Cytogenetic location: 2q35.
Variant type: single nucleotide variant.
Coding change: c.82C>A on transcript NM_000465.4 (MANE Select); coding-DNA position 82, C replaced by A.
Protein change: p.Pro28Thr; replaces proline 28 with threonine.
Molecular consequence: missense variant. On other transcripts: non-coding transcript variant (3).
Genome position (GRCh38, 1-based): chr2:214,809,488, G>T on the plus strand (C>A on the coding strand, the complement: BARD1 is on the minus strand). VCF-style: chr2-214809488-G-T. GRCh37 (hg19) VCF-style: chr2-215674212-G-T.
Other names: c.82C>A, p.Pro28Thr (NM_001282543.2, NM_001282545.2, NM_001282548.2 and 1 more transcripts); short protein forms P28T.
Identifiers: ClinVar variation 233172 (VCV000233172.20), dbSNP rs770702450, ClinGen allele CA2090521.

ClinVar aggregate classification (germline): Uncertain significance. Review status: criteria provided, multiple submitters, no conflicts (2 of 4 stars). 4 submissions from 4 submitters: Uncertain significance (4). Last evaluated 2025-10-01.

Conditions:
Hereditary cancer-predisposing syndrome. Also called: Neoplastic Syndromes, Hereditary; Tumor predisposition; Hereditary Cancer Syndrome; Hereditary neoplastic syndrome. Identifiers: Orphanet 140162, MedGen C0027672, MeSH D009386, MONDO:0015356.
Familial cancer of breast. Also called: BREAST CANCER, FAMILIAL; hereditary breast carcinoma; Hereditary breast cancer. Identifiers: Orphanet 227535, MedGen C0346153, MONDO:0016419, OMIM 114480. Disease mechanism: loss of function.

Allele frequency attached by ClinVar (database versions not stated): TOPMed below 0.00001; ExAC 0.00001; gnomAD exomes 0.00001; gnomAD 0.00002.
gnomAD v4.1: 23 of 1,608,448 alleles (0.0014%); highest among the groups gnomAD compares: Non-Finnish European, 0.002%; no homozygotes.

Submissions (4):

Ambry Genetics
Classification: Uncertain significance for Hereditary cancer-predisposing syndrome. Last evaluated: 2025-10-01. Review status: criteria provided, single submitter. Criteria: Ambry Variant Classification Scheme 2023. Collection method: clinical testing. Allele origin: germline.
Comment: The p.P28T variant (also known as c.82C>A), located in coding exon 1 of the BARD1 gene, results from a C to A substitution at nucleotide position 82. The proline at codon 28 is replaced by threonine, an amino acid with highly similar properties. This variant was not reported in population based cohorts in the following databases: Database of Single Nucleotide Polymorphisms (dbSNP), NHLBI Exome Sequencing Project (ESP), and 1000 Genomes Project. In the ESP, this variant was not observed in 6255 samples (12510 alleles) with coverage at this position. To date, this alteration has been detected with an allele frequency of approximately 0.001% (greater than 175000 alleles tested) in our clinical cohort. This amino acid position is well conserved in available vertebrate species. In addition, the in silico prediction for this alteration is inconclusive. Since supporting evidence is limited at this time, the clinical significance of this alteration remains unclear.

Labcorp Genetics (formerly Invitae), Labcorp
Classification: Uncertain significance for Familial cancer of breast. Last evaluated: 2024-12-22. Review status: criteria provided, single submitter. Criteria: Invitae Variant Classification Sherloc (09022015). Collection method: clinical testing. Allele origin: germline.
Comment: This sequence change replaces proline, which is neutral and non-polar, with threonine, which is neutral and polar, at codon 28 of the BARD1 protein (p.Pro28Thr). The frequency data for this variant in the population databases is considered unreliable, as metrics indicate poor data quality at this position in the gnomAD database. This variant has not been reported in the literature in individuals affected with BARD1-related conditions. ClinVar contains an entry for this variant (Variation ID: 233172). An algorithm developed to predict the effect of missense changes on protein structure and function (PolyPhen-2) suggests that this variant is likely to be disruptive. In summary, the available evidence is currently insufficient to determine the role of this variant in disease. Therefore, it has been classified as a Variant of Uncertain Significance.

Fulgent Genetics
Classification: Uncertain significance for Familial cancer of breast. Last evaluated: 2021-10-29. Review status: criteria provided, single submitter. Criteria: ACMG Guidelines, 2015. Collection method: clinical testing. Allele origin: unknown.

GeneDx
Classification: Uncertain significance. Last evaluated: 2021-01-13. Review status: criteria provided, single submitter. Criteria: GeneDx Variant Classification Process June 2021. Collection method: clinical testing. Allele origin: germline. Affected: yes.
Comment: Has not been previously published as pathogenic or benign to our knowledge; Not observed at a significant frequency in large population cohorts (Lek 2016); In silico analysis supports that this missense variant does not alter protein structure/function